The following is an entry in ClinVar:

NM_022893.4(BCL11A):c.10C>T (p.Arg4Cys)

Gene: BCL11A (BCL11 transcription factor A; minus strand). Cytogenetic location: 2p16.1.
Variant type: single nucleotide variant.
Coding change: c.10C>T on transcript NM_022893.4 (MANE Select); coding-DNA position 10, C replaced by T.
Protein change: p.Arg4Cys; replaces arginine 4 with cysteine.
Molecular consequence: missense variant. On other transcripts: 5 prime UTR variant (5).
Genome position (GRCh38, 1-based): chr2:60,553,261, G>A on the plus strand (C>T on the coding strand, the complement: BCL11A is on the minus strand). VCF-style: chr2-60553261-G-A. GRCh37 (hg19) VCF-style: chr2-60780396-G-A.
Other names: c.10C>T, p.Arg4Cys (NM_001363864.1, NM_001365609.1, NM_001405708.1 and 10 more transcripts); c.-416C>T (NM_001405721.1); c.-666C>T (NM_001405725.1, NM_001405726.1, NM_001405731.1); c.-523C>T (NM_001405728.1); c.10C>T (NM_022893.3); short protein forms R4C.
Identifiers: ClinVar variation 3256774 (VCV003256774.3).

ClinVar aggregate classification (germline): Likely pathogenic. Review status: criteria provided, single submitter (1 of 4 stars). 2 submissions from 2 submitters: Likely pathogenic (1). 1 of the submissions does not count toward it. Last evaluated 2025-09-25.

Conditions:
Dias-Logan syndrome. Also called: INTELLECTUAL DEVELOPMENTAL DISORDER WITH HEREDITARY PERSISTENCE OF FETAL HEMOGLOBIN; Intellectual developmental disorder with persistence of fetal hemoglobin. Identifiers: Orphanet 619233, MedGen C4310833, MONDO:0014914, OMIM 617101.

Submissions (2):

GeneDx
Classification: Likely pathogenic. Last evaluated: 2025-09-25. Review status: criteria provided, single submitter. Criteria: GeneDx Variant Classification Process June 2021. Collection method: clinical testing. Allele origin: germline.
Comment: Identified as a de novo variant with confirmed parentage in at least one individual with psychomotor delay in the published literature; however detailed clinical information was not provided (PMID: 33057194, 28333917); Not observed at significant frequency in large population cohorts (gnomAD); In silico analysis supports that this missense variant has a deleterious effect on protein structure/function; This variant is associated with the following publications: (PMID: 35982159, 28333917, 33057194, 39825153)

Solve-RD Consortium
Classification: Likely pathogenic for Dias-Logan syndrome. Last evaluated: 2022-06-01. Review status: no assertion criteria provided. Collection method: provider interpretation. Allele origin: de novo. Affected: yes. Not counted in ClinVar's aggregate classification.
Comment: Variant confirmed as disease-causing by referring clinical team

Variant identified during reanalysis of unsolved cases by the Solve-RD project. The Solve-RD project has received funding from the European Union’s Horizon 2020 research and innovation programme under grant agreement No 779257.

Literature cited by the submitters: PubMed 39825153 (cited by Solve-RD Consortium).